The following is an entry in ClinVar:

NM_032888.4(COL27A1):c.418G>A (p.Gly140Arg)

Gene: COL27A1 (collagen type XXVII alpha 1 chain; plus strand). Cytogenetic location: 9q32.
Variant type: single nucleotide variant.
Coding change: c.418G>A on transcript NM_032888.4 (MANE Select); coding-DNA position 418, G replaced by A.
Protein change: p.Gly140Arg; replaces glycine 140 with arginine.
Molecular consequence: missense variant.
Genome position (GRCh38, 1-based): chr9:114,167,973, G>A. VCF-style: chr9-114167973-G-A. GRCh37 (hg19) VCF-style: chr9-116930253-G-A.
Other names: c.418G>A (NM_032888.2); short protein forms G140R.
Identifiers: ClinVar variation 2049402 (VCV002049402.4), dbSNP rs373617346, ClinGen allele CA5201143.

ClinVar aggregate classification (germline): Uncertain significance. Review status: criteria provided, multiple submitters, no conflicts (2 of 4 stars). 2 submissions from 2 submitters: Uncertain significance (2). Last evaluated 2025-08-22.

Conditions:
Inborn genetic diseases. Identifiers: MedGen C0950123, MeSH D030342.

Allele frequency attached by ClinVar (database versions not stated): TOPMed 0.00003; ExAC 0.00006; gnomAD 0.00007; gnomAD exomes 0.00007; ESP Exome Variant Server 0.00008.

Submissions (2):

Ambry Genetics
Classification: Uncertain significance for Inborn genetic diseases. Last evaluated: 2025-08-22. Review status: criteria provided, single submitter. Criteria: Ambry Variant Classification Scheme 2023. Collection method: clinical testing. Allele origin: germline.

Labcorp Genetics (formerly Invitae), Labcorp
Classification: Uncertain significance. Last evaluated: 2022-06-15. Review status: criteria provided, single submitter. Criteria: Invitae Variant Classification Sherloc (09022015). Collection method: clinical testing. Allele origin: germline.
Comment: This sequence change replaces glycine, which is neutral and non-polar, with arginine, which is basic and polar, at codon 140 of the COL27A1 protein (p.Gly140Arg). This variant is present in population databases (rs373617346, gnomAD 0.01%). This variant has not been reported in the literature in individuals affected with COL27A1-related conditions. Advanced modeling of protein sequence and biophysical properties (such as structural, functional, and spatial information, amino acid conservation, physicochemical variation, residue mobility, and thermodynamic stability) performed at Invitae indicates that this missense variant is not expected to disrupt COL27A1 protein function. Algorithms developed to predict the effect of sequence changes on RNA splicing suggest that this variant may create or strengthen a splice site. In summary, the available evidence is currently insufficient to determine the role of this variant in disease. Therefore, it has been classified as a Variant of Uncertain Significance.